The following is an entry in ClinVar:

ClinVar aggregate classification (germline): Uncertain significance (1 of 4 stars; one submission).

Allele frequency attached by ClinVar (database versions not stated): gnomAD exomes below 0.00001.
gnomAD v4.1: 1 of 1,614,152 alleles (0.000062%); highest among the groups gnomAD compares: Non-Finnish European, 0.000085%; no homozygotes.

Submission:

Ambry Genetics
Classification: Uncertain significance. Last evaluated: 2022-07-19. Review status: criteria provided, single submitter. Criteria: Ambry Variant Classification Scheme 2023. Collection method: clinical testing. Allele origin: germline.
Comment: The p.S812G variant (also known as c.2434A>G), located in coding exon 1 of the MLH3 gene, results from an A to G substitution at nucleotide position 2434. The serine at codon 812 is replaced by glycine, an amino acid with similar properties. This amino acid position is conserved. In addition, this alteration is predicted to be tolerated by in silico analysis. Since supporting evidence is limited at this time, the clinical significance of this alteration remains unclear.

NM_001040108.2(MLH3):c.2434A>G (p.Ser812Gly)

Gene: MLH3 (mutL homolog 3; minus strand). Cytogenetic location: 14q24.3.
Variant type: single nucleotide variant.
Coding change: c.2434A>G on transcript NM_001040108.2 (MANE Select); coding-DNA position 2434, A replaced by G.
Protein change: p.Ser812Gly; replaces serine 812 with glycine.
Molecular consequence: missense variant.
Genome position (GRCh38, 1-based): chr14:75,047,222, T>C on the plus strand (A>G on the coding strand, the complement: MLH3 is on the minus strand). VCF-style: chr14-75047222-T-C. GRCh37 (hg19) VCF-style: chr14-75513925-T-C.
Other names: c.2434A>G, p.Ser812Gly (NM_014381.3); short protein forms S812G.
Identifiers: ClinVar variation 1791204 (VCV001791204.2), dbSNP rs2503270357, ClinGen allele CA390440505.
Genomic context (GRCh38, chr14:75,047,222, plus strand): 5'-ATGGAAACTTCTCTGAGTTAAGGATGTGGCTTGCTGGTTGACAACTACTATCTGAATCAC[T>C]ATGCTCCATAGTAGTGATTTTACAAACATCAGAGTTCTCTAAGCGGTTCTTGTCCTTCAG-3'
Protein context (NP_001035197.1, residues 802-822): DVCKITTMEH[Ser812Gly]DSDSSCQPAS